The following is an entry in ClinVar:

NM_004329.3(BMPR1A):c.1401C>A (p.Tyr467Ter)

Gene: BMPR1A (bone morphogenetic protein receptor type 1A; plus strand). Cytogenetic location: 10q23.2.
Variant type: single nucleotide variant.
Coding change: c.1401C>A on transcript NM_004329.3 (MANE Select); coding-DNA position 1401, C replaced by A.
Protein change: p.Tyr467Ter; replaces tyrosine 467 with a stop codon.
Molecular consequence: nonsense.
Genome position (GRCh38, 1-based): chr10:86,923,434, C>A. VCF-style: chr10-86923434-C-A. GRCh37 (hg19) VCF-style: chr10-88683191-C-A.
Other names: short protein forms Y467*.
Identifiers: ClinVar variation 486797 (VCV000486797.5), dbSNP rs149787558, ClinGen allele CA377462910.

ClinVar aggregate classification (germline): Pathogenic (1 of 4 stars; one submission).

Conditions:
Hereditary cancer-predisposing syndrome. Also called: Tumor predisposition; Hereditary Cancer Syndrome; Hereditary neoplastic syndrome; Neoplastic Syndromes, Hereditary. Identifiers: Orphanet 140162, MedGen C0027672, MeSH D009386, MONDO:0015356.

Submission:

Ambry Genetics
Classification: Pathogenic for Hereditary cancer-predisposing syndrome. Last evaluated: 2016-02-22. Review status: criteria provided, single submitter. Criteria: Ambry Variant Classification Scheme 2023. Collection method: clinical testing. Allele origin: germline.
Comment: The p.Y467* pathogenic mutation (also known as c.1401C>A), located in coding exon 10 of the BMPR1A gene, results from a C to A substitution at nucleotide position 1401. This changes the amino acid from a tyrosine to a stop codon within coding exon 10. Since premature stop codons are typically deleterious in nature, this alteration is interpreted as a disease-causing mutation (ACMG Recommendations for Standards for Interpretation and Reporting of Sequence Variations. Revision 2007. Genet Med. 2008;10:294).